The following is an entry in ClinVar:

NM_003024.3(ITSN1):c.2003A>G (p.Asp668Gly)

Gene: ITSN1 (intersectin 1; plus strand). Cytogenetic location: 21q22.11.
Variant type: single nucleotide variant.
Coding change: c.2003A>G on transcript NM_003024.3 (MANE Select); coding-DNA position 2003, A replaced by G.
Protein change: p.Asp668Gly; replaces aspartic acid 668 with glycine.
Molecular consequence: missense variant.
Genome position (GRCh38, 1-based): chr21:33,797,429, A>G. VCF-style: chr21-33797429-A-G. GRCh37 (hg19) VCF-style: chr21-35169733-A-G.
Other names: c.2003A>G, p.Asp668Gly (NM_001001132.2, NM_001331008.2, NM_001331009.2 and 2 more transcripts); c.1892A>G, p.Asp631Gly (NM_001331012.2); short protein forms D631G, D668G.
Identifiers: ClinVar variation 3111974 (VCV003111974.1), dbSNP rs2148043473, ClinGen allele CA410132180.

ClinVar aggregate classification (germline): Uncertain significance (1 of 4 stars; one submission).

Conditions:
Inborn genetic diseases. Identifiers: MedGen C0950123, MeSH D030342.

Allele frequency attached by ClinVar (database versions not stated): gnomAD 0.00001.
gnomAD v4.1: 2 of 1,614,088 alleles (0.00012%); highest among the groups gnomAD compares: Middle Eastern, 0.017%; no homozygotes.

Submission:

Ambry Genetics
Classification: Uncertain significance for Inborn genetic diseases. Last evaluated: 2023-10-11. Review status: criteria provided, single submitter. Criteria: Ambry Variant Classification Scheme 2023. Collection method: clinical testing. Allele origin: germline.
Comment: The c.2003A>G (p.D668G) alteration is located in exon 18 (coding exon 17) of the ITSN1 gene. This alteration results from an A to G substitution at nucleotide position 2003, causing the aspartic acid (D) at amino acid position 668 to be replaced by a glycine (G). Based on data from gnomAD, the G allele has an overall frequency of 0.001% (2/152148) total alleles studied. The highest observed frequency was 0.3% (1/316) of Middle Eastern alleles. This amino acid position is not well conserved in available vertebrate species. This alteration is predicted to be tolerated by in silico analysis. Based on insufficient or conflicting evidence, the clinical significance of this alteration remains unclear.